The following is an entry in ClinVar:

NM_021116.4(ADCY1):c.2161A>G (p.Thr721Ala)

Gene: ADCY1 (adenylate cyclase 1; plus strand). Cytogenetic location: 7p12.3.
Variant type: single nucleotide variant.
Coding change: c.2161A>G on transcript NM_021116.4 (MANE Select); coding-DNA position 2161, A replaced by G.
Protein change: p.Thr721Ala; replaces threonine 721 with alanine.
Molecular consequence: missense variant.
Genome position (GRCh38, 1-based): chr7:45,686,049, A>G. VCF-style: chr7-45686049-A-G. GRCh37 (hg19) VCF-style: chr7-45725648-A-G.
Other names: short protein forms T721A.
Identifiers: ClinVar variation 1028721 (VCV001028721.9), dbSNP rs74535389, ClinGen allele CA4249163.

ClinVar aggregate classification (germline): Conflicting classifications of pathogenicity. Review status: criteria provided, conflicting classifications (1 of 4 stars). 4 submissions from 4 submitters: Uncertain significance (2); Likely benign (2). Last evaluated 2025-12-15.

Conditions:
ADCY1-related disorder. Also called: ADCY1-related condition.
Inborn genetic diseases. Identifiers: MedGen C0950123, MeSH D030342.
Autosomal recessive nonsyndromic hearing loss 44. Also called: Deafness, autosomal recessive 44. Identifiers: Orphanet 90636, MedGen C1857809, MONDO:0012421, OMIM 610154.

Allele frequency attached by ClinVar (database versions not stated): ExAC 0.00036; 1000 Genomes Project 0.00040; TOPMed 0.00042; gnomAD 0.00043 and 0.00045; 1000 Genomes Project 30x 0.00047; gnomAD exomes 0.00047 and 0.00061; ESP Exome Variant Server 0.00100.
gnomAD v4.1: 947 of 1,607,650 alleles (0.059%); highest among the groups gnomAD compares: Non-Finnish European, 0.068%; no homozygotes.

Submissions (4):

Labcorp Genetics (formerly Invitae), Labcorp
Classification: Uncertain significance. Last evaluated: 2025-12-15. Review status: criteria provided, single submitter. Criteria: Invitae Variant Classification Sherloc (09022015). Collection method: clinical testing. Allele origin: germline.
Comment: This sequence change replaces threonine, which is neutral and polar, with alanine, which is neutral and non-polar, at codon 721 of the ADCY1 protein (p.Thr721Ala). This variant is present in population databases (rs74535389, gnomAD 0.2%), and has an allele count higher than expected for a pathogenic variant. This variant has not been reported in the literature in individuals affected with ADCY1-related conditions. ClinVar contains an entry for this variant (Variation ID: 1028721). Invitae Evidence Modeling of protein sequence and biophysical properties (such as structural, functional, and spatial information, amino acid conservation, physicochemical variation, residue mobility, and thermodynamic stability) indicates that this missense variant is not expected to disrupt ADCY1 protein function with a negative predictive value of 80%. In summary, the available evidence is currently insufficient to determine the role of this variant in disease. Therefore, it has been classified as a Variant of Uncertain Significance.

PreventionGenetics, part of Exact Sciences
Classification: Likely benign for ADCY1-related condition. Last evaluated: 2025-07-16. Review status: criteria provided, single submitter. Criteria: ACMG Guidelines, 2015. Collection method: clinical testing. Allele origin: germline.
Comment: This variant is classified as likely benign based on ACMG/AMP sequence variant interpretation guidelines (Richards et al. 2015 PMID: 25741868, with internal and published modifications).

Ambry Genetics
Classification: Likely benign for Inborn genetic diseases. Last evaluated: 2022-01-19. Review status: criteria provided, single submitter. Criteria: Ambry Variant Classification Scheme 2023. Collection method: clinical testing. Allele origin: germline.

Baylor Genetics
Classification: Uncertain significance for Autosomal recessive nonsyndromic hearing loss 44. Last evaluated: 2019-06-07. Review status: criteria provided, single submitter. Criteria: ACMG Guidelines, 2015. Collection method: clinical testing. Allele origin: unknown. Affected: yes.
Comment: This variant was determined to be of uncertain significance according to ACMG Guidelines, 2015 [PMID:25741868].